The following is an entry in ClinVar:

NM_001077653.2(TBX20):c.1124T>C (p.Ile375Thr)

Gene: TBX20 (T-box transcription factor 20; minus strand). Cytogenetic location: 7p14.2.
Variant type: single nucleotide variant.
Coding change: c.1124T>C on transcript NM_001077653.2 (MANE Select); coding-DNA position 1124, T replaced by C.
Protein change: p.Ile375Thr; replaces isoleucine 375 with threonine.
Molecular consequence: missense variant.
Genome position (GRCh38, 1-based): chr7:35,202,650, A>G on the plus strand (T>C on the coding strand, the complement: TBX20 is on the minus strand). VCF-style: chr7-35202650-A-G. GRCh37 (hg19) VCF-style: chr7-35242262-A-G.
Other names: short protein forms I375T.
Identifiers: ClinVar variation 2436989 (VCV002436989.7), dbSNP rs752916726, ClinGen allele CA4217353.

ClinVar aggregate classification (germline): Uncertain significance. Review status: criteria provided, multiple submitters, no conflicts (2 of 4 stars). 3 submissions from 3 submitters: Uncertain significance (3). Last evaluated 2025-08-12.

Conditions:
Atrial septal defect 4 (ASD4). Identifiers: Orphanet 1478, MedGen C1969657, MONDO:0012654, OMIM 611363.
Cardiovascular phenotype. Identifiers: MedGen CN230736.

Allele frequency attached by ClinVar (database versions not stated): ExAC 0.00001; gnomAD exomes 0.00001.
gnomAD v4.1: 8 of 1,613,774 alleles (0.0005%); highest among the groups gnomAD compares: South Asian, 0.0077%; no homozygotes.

Submissions (3):

Ambry Genetics
Classification: Uncertain significance for Cardiovascular phenotype. Last evaluated: 2025-08-12. Review status: criteria provided, single submitter. Criteria: Ambry Variant Classification Scheme 2023. Collection method: clinical testing. Allele origin: germline.
Comment: The p.I375T variant (also known as c.1124T>C), located in coding exon 8 of the TBX20 gene, results from a T to C substitution at nucleotide position 1124. The isoleucine at codon 375 is replaced by threonine, an amino acid with similar properties. This amino acid position is conserved. In addition, the in silico prediction for this alteration is inconclusive. Based on the available evidence, the clinical significance of this variant remains unclear.

Labcorp Genetics (formerly Invitae), Labcorp
Classification: Uncertain significance. Last evaluated: 2024-01-01. Review status: criteria provided, single submitter. Criteria: Invitae Variant Classification Sherloc (09022015). Collection method: clinical testing. Allele origin: germline.
Comment: This sequence change replaces isoleucine, which is neutral and non-polar, with threonine, which is neutral and polar, at codon 375 of the TBX20 protein (p.Ile375Thr). This variant is present in population databases (rs752916726, gnomAD 0.007%). This variant has not been reported in the literature in individuals affected with TBX20-related conditions. ClinVar contains an entry for this variant (Variation ID: 2436989). Advanced modeling of protein sequence and biophysical properties (such as structural, functional, and spatial information, amino acid conservation, physicochemical variation, residue mobility, and thermodynamic stability) performed at Invitae indicates that this missense variant is not expected to disrupt TBX20 protein function with a negative predictive value of 80%. In summary, the available evidence is currently insufficient to determine the role of this variant in disease. Therefore, it has been classified as a Variant of Uncertain Significance.

Revvity Omics, Revvity
Classification: Uncertain significance for Atrial septal defect 4. Last evaluated: 2020-08-19. Review status: criteria provided, single submitter. Criteria: ACMG Guidelines, 2015. Collection method: clinical testing. Allele origin: germline.